The following is an entry in ClinVar:

ClinVar aggregate classification (germline): Uncertain significance (1 of 4 stars; one submission).

Conditions:
ZNF423-related disorder. Also called: ZNF423-related condition.

gnomAD v4.1: 5 of 1,612,948 alleles (0.00031%); highest among the groups gnomAD compares: East Asian, 0.011%; no homozygotes.

Submission:

PreventionGenetics, part of Exact Sciences
Classification: Uncertain significance for ZNF423-related condition. Last evaluated: 2026-08-17. Review status: criteria provided, single submitter. Criteria: ACMG Guidelines, 2015. Collection method: clinical testing. Allele origin: germline.
Comment: The ZNF423 c.2771A>G variant is predicted to result in the amino acid substitution p.Glu924Gly. To our knowledge, this variant has not been reported in the literature. This variant is reported in 0.011% of alleles in individuals of East Asian descent in gnomAD. At this time, the clinical significance of this variant is uncertain due to the absence of conclusive functional and genetic evidence.

NM_001379286.1(ZNF423):c.2795A>G (p.Glu932Gly)

Gene: ZNF423 (zinc finger protein 423; minus strand). Cytogenetic location: 16q12.1.
Variant type: single nucleotide variant.
Coding change: c.2795A>G on transcript NM_001379286.1 (MANE Select); coding-DNA position 2795, A replaced by G.
Protein change: p.Glu932Gly; replaces glutamic acid 932 with glycine.
Molecular consequence: missense variant.
Genome position (GRCh38, 1-based): chr16:49,636,381, T>C on the plus strand (A>G on the coding strand, the complement: ZNF423 is on the minus strand). VCF-style: chr16-49636381-T-C. GRCh37 (hg19) VCF-style: chr16-49670292-T-C.
Other names: c.2591A>G, p.Glu864Gly (NM_001271620.2); c.2420A>G, p.Glu807Gly (NM_001330533.2); c.2771A>G, p.Glu924Gly (NM_015069.5); short protein forms E864G, E924G, E932G, E807G.
Identifiers: ClinVar variation 4982276 (VCV004982276.1).